The following is an entry in ClinVar:

ClinVar aggregate classification (germline): Conflicting classifications of pathogenicity. Review status: criteria provided, conflicting classifications (1 of 4 stars). 3 submissions from 3 submitters: Uncertain significance (1); Likely benign (2). Last evaluated 2025-02-16.

Conditions:
Inborn genetic diseases. Identifiers: MedGen C0950123, MeSH D030342.
Intellectual developmental disorder, autosomal dominant 1. Also called: MBD5 Haploinsufficiency; Intellectual disability, autosomal dominant 1. Identifiers: Orphanet 228402, MedGen C1969562, MONDO:0007974, OMIM 156200.

Allele frequency attached by ClinVar (database versions not stated): gnomAD exomes below 0.00001; ExAC 0.00001.
gnomAD v4.1: 3 of 1,613,768 alleles (0.00019%); highest among the groups gnomAD compares: African/African-American, 0.0013%; no homozygotes.

Submissions (3):

Laboratory of Genetics, Children's Clinical University Hospital Latvia
Classification: Likely benign. Last evaluated: 2025-02-16. Review status: criteria provided, single submitter. Criteria: ACMG Guidelines, 2015. Collection method: clinical testing. Allele origin: germline. Affected: yes.

Labcorp Genetics (formerly Invitae), Labcorp
Classification: Likely benign for Intellectual developmental disorder, autosomal dominant 1. Last evaluated: 2024-04-24. Review status: criteria provided, single submitter. Criteria: Invitae Variant Classification Sherloc (09022015). Collection method: clinical testing. Allele origin: germline.

Ambry Genetics
Classification: Uncertain significance for Inborn genetic diseases. Last evaluated: 2023-03-10. Review status: criteria provided, single submitter. Criteria: Ambry Variant Classification Scheme 2023. Collection method: clinical testing. Allele origin: germline.
Comment: The c.2429A>G (p.N810S) alteration is located in exon 9 (coding exon 4) of the MBD5 gene. This alteration results from an A to G substitution at nucleotide position 2429, causing the asparagine (N) at amino acid position 810 to be replaced by a serine (S). Based on data from gnomAD, the G allele has an overall frequency of 0.001% (1/250290) total alleles studied. The highest observed frequency was 0.001% (1/112826) of European (non-Finnish) alleles. This amino acid position is highly conserved in available vertebrate species. This alteration is predicted to be tolerated by in silico analysis. Based on insufficient or conflicting evidence, the clinical significance of this alteration remains unclear.

NM_001378120.1(MBD5):c.2429A>G (p.Asn810Ser)

Gene: MBD5 (methyl-CpG binding domain protein 5; plus strand). Cytogenetic location: 2q23.1.
Variant type: single nucleotide variant.
Coding change: c.2429A>G on transcript NM_001378120.1 (MANE Select); coding-DNA position 2429, A replaced by G.
Protein change: p.Asn810Ser; replaces asparagine 810 with serine.
Molecular consequence: missense variant.
Genome position (GRCh38, 1-based): chr2:148,470,372, A>G. VCF-style: chr2-148470372-A-G. GRCh37 (hg19) VCF-style: chr2-149227941-A-G.
Other names: c.2429A>G (NM_018328.4); c.2429A>G, p.Asn810Ser (NM_018328.5); short protein forms N810S.
Identifiers: ClinVar variation 1617783 (VCV001617783.11), dbSNP rs754126406, ClinGen allele CA1900138.